The following is an entry in ClinVar:

ClinVar aggregate classification (germline): Pathogenic. Review status: reviewed by expert panel (3 of 4 stars). 11 submissions from 11 submitters: Pathogenic (1). 10 of the submissions do not count toward it. Last evaluated 2025-01-08.

Conditions:
Miyoshi muscular dystrophy 1 (MMD1). Identifiers: Orphanet 45448, MedGen C4551973, MONDO:0024545, OMIM 254130.
Distal myopathy with anterior tibial onset. Identifiers: Orphanet 178400, MedGen C1847532, MONDO:0011721, OMIM 606768.
Autosomal recessive limb-girdle muscular dystrophy type 2B (LGMDR2). Also called: MUSCULAR DYSTROPHY, LIMB-GIRDLE, AUTOSOMAL RECESSIVE 2; Limb-girdle muscular dystrophy, type 2B; Limb-Girdle Muscular Dystrophy Type 2B (LGMD2B); MUSCULAR DYSTROPHY, LIMB-GIRDLE, TYPE 3. Identifiers: Orphanet 268, MedGen C1850889, MONDO:0009676, OMIM 253601.
Autosomal recessive limb-girdle muscular dystrophy. Identifiers: Orphanet 102015, MedGen C2931907, MONDO:0015152.
Neuromuscular disease caused by qualitative or quantitative defects of dysferlin. Also called: Dysferlinopathy; Qualitative or quantitative defects of dysferlin. Identifiers: Orphanet 207073, MedGen C2931687, MONDO:0016145.

Allele frequency attached by ClinVar (database versions not stated): ExAC 0.00002; gnomAD exomes 0.00001; TOPMed below 0.00001.
gnomAD v4.1: 9 of 1,614,140 alleles (0.00056%); highest among the groups gnomAD compares: Non-Finnish European, 0.00059%; no homozygotes.

Submissions (11):

ClinGen Limb Girdle Muscular Dystrophy Variant Curation Expert Panel, ClinGen
Classification: Pathogenic for Autosomal recessive limb-girdle muscular dystrophy. Last evaluated: 2025-01-08. Review status: reviewed by expert panel. Criteria: ClinGen LGMD VCEP ACMG Specifications DYSF V1.0.0. Collection method: curation. Allele origin: germline. Inheritance: Autosomal recessive inheritance.
Comment: The NM_003494.4: c.1852G>A variant in DYSF, which is also known as NM_001130987.2: c.1906G>A p.(Gly636Arg), is a missense variant predicted to cause substitution of glycine by arginine at amino acid 618 (p.Gly618Arg). This variant has been detected in at least 7 unrelated individuals with LGMD2B. Of those individuals, at least 1 was compound heterozygous for the variant and a pathogenic or likely pathogenic variant (c.2811-2A>C, 1.0 pt, PMID: 36983702). In addition, three unrelated individuals were homozygous for the variant (1.0 pt, PMID: 26088049, 18853459, 32400077) (PM3_Strong). At least one patient with this variant displayed progressive weakness and reduced dysferlin protein expression, which is highly specific for DYSF-related LGMD (PP4_Strong, PMID: 36983702). The variant was also reported to co-segregate with the disease in one affected family member (PP1; PMID: 12471055). The highest population minor allele frequency in gnomAD v2.1.1 is 0.00004 (1/21646 alleles) in the European (Finnish) population, which is less than the ClinGen LGMD VCEP threshold (≤0.0001) for PM2_Supporting, meeting this criterion (PM2_Supporting). Immunofluorescence and 2-A assays of dysferlin membrane localization in HEK293T cells showed the Gly636Arg protein did not reach the cell membrane, indicating an impact on protein function (PMID: 35028538) (PS3_Moderate). The computational predictor REVEL gives a score of 0.93, which exceeds the VCEP threshold of ≥0.70, evidence that correlates with impact to DYSF function (PP3). Another nucleotide change resulting in the same amino acid change, c.1852G>C p.(Gly618Arg), has been reported in association with LGMD (PMID: 30564623) and classified as pathogenic by the LGMD VCEP. In summary, this variant meets the criteria to be classified as Pathogenic for autosomal recessive limb girdle muscular dystrophy based on the ACMG/AMP criteria applied, as specified by the ClinGen LGMD VCEP (LGMD VCEP specifications version 1.0.0; 01/08/2025): PP4_Strong, PM3_Strong, PM2_Supporting, PP3, PP1, PS3_Moderate.

3billion
Classification: Pathogenic for Autosomal recessive limb-girdle muscular dystrophy type 2B. Last evaluated: 2026-01-16. Review status: criteria provided, single submitter. Criteria: ACMG Guidelines, 2015. Collection method: clinical testing. Allele origin: germline. Affected: yes. Not counted in ClinVar's aggregate classification.
Comment: The variant is observed at an extremely low frequency in the gnomAD v4.1.0 dataset (total allele frequency: <0.001%). Predicted Consequence/Location: Missense variant Functional studies provide moderate evidence of the variant having a damaging effect on the gene or gene product (PMID: 35028538). In silico tool predictions suggest damaging effect of the variant on gene or gene product [REVEL: 0.93 (>=0.6, sensitivity 0.68 and specificity 0.92); 3Cnet: 0.99 (> 0.75, sensitivity 0.96 and precision 0.92)]. The same nucleotide change resulting in the same amino acid change has been previously reported as pathogenic/likely pathogenic with strong evidence (ClinVar ID: VCV000195490 /PMID: 15469449). The variant has been reported to be in trans with a pathogenic variant as either compound heterozygous or homozygous in at least 2 similarly affected unrelated individuals (PMID: 18853459, 26088049, 32400077, 36983702). The variant has been reported to co-segregate with the disease in at least one similarly affected relative/individual in the same family or similarly affected unrelated families (PMID: 12471055). Therefore, this variant is classified as Pathogenic according to the recommendation of ACMG/AMP guideline.

Natera, Inc.
Classification: Pathogenic for Limb-girdle muscular dystrophy type 2B. Last evaluated: 2025-01-30. Review status: criteria provided, single submitter. Criteria: Natera Variant Classification Schema (03/2026). Collection method: clinical testing. Allele origin: germline. Not counted in ClinVar's aggregate classification.
Comment: The c.1852G>A variant in DYSF is a missense variant predicted to cause substitution of glycine to arginine at amino acid 618. This variant is rare in the general population with a frequency below the threshold expected for the associated phenotype(s). This variant has been observed in one or more individuals affected with the associated recessive disease, as either homozygous or compound heterozygous with a second variant (PMID: 37526466). Computational prediction algorithms indicate this variant is likely to affect gene or protein function. Given the available evidence, this variant is classified as Pathogenic.

Labcorp Genetics (formerly Invitae), Labcorp
Classification: Pathogenic for Neuromuscular disease caused by qualitative or quantitative defects of dysferlin. Last evaluated: 2025-01-22. Review status: criteria provided, single submitter. Criteria: Invitae Variant Classification Sherloc (09022015). Collection method: clinical testing. Allele origin: germline. Not counted in ClinVar's aggregate classification.
Comment: This sequence change replaces glycine, which is neutral and non-polar, with arginine, which is basic and polar, at codon 618 of the DYSF protein (p.Gly618Arg). This variant is present in population databases (rs201049092, gnomAD 0.004%). This missense change has been observed in individual(s) with DYSF-related conditions (PMID: 15469449, 18853459, 26088049, 26404900). ClinVar contains an entry for this variant (Variation ID: 195490). Invitae Evidence Modeling of protein sequence and biophysical properties (such as structural, functional, and spatial information, amino acid conservation, physicochemical variation, residue mobility, and thermodynamic stability) indicates that this missense variant is expected to disrupt DYSF protein function with a positive predictive value of 95%. For these reasons, this variant has been classified as Pathogenic.

Fulgent Genetics
Classification: Pathogenic for Autosomal recessive limb-girdle muscular dystrophy type 2B; Miyoshi muscular dystrophy 1; Distal myopathy with anterior tibial onset. Last evaluated: 2024-06-15. Review status: criteria provided, single submitter. Criteria: ACMG Guidelines, 2015. Collection method: clinical testing. Allele origin: germline. Not counted in ClinVar's aggregate classification.

Baylor Genetics
Classification: Likely pathogenic for Miyoshi muscular dystrophy 1. Last evaluated: 2023-10-09. Review status: criteria provided, single submitter. Criteria: ACMG Guidelines, 2015. Collection method: clinical testing. Allele origin: unknown. Not counted in ClinVar's aggregate classification.

Revvity Omics, Revvity
Classification: Pathogenic. Last evaluated: 2023-09-18. Review status: criteria provided, single submitter. Criteria: ACMG Guidelines, 2015. Collection method: clinical testing. Allele origin: germline. Not counted in ClinVar's aggregate classification.

Women's Health and Genetics/Laboratory Corporation of America, LabCorp
Classification: Pathogenic for Autosomal recessive limb-girdle muscular dystrophy. Last evaluated: 2023-05-12. Review status: criteria provided, single submitter. Criteria: LabCorp Variant Classification Summary - May 2015. Collection method: clinical testing. Allele origin: germline. Not counted in ClinVar's aggregate classification.
Comment: Variant summary: DYSF c.1852G>A (p.Gly618Arg) results in a non-conservative amino acid change in the encoded protein sequence. Five of five in-silico tools predict a damaging effect of the variant on protein function. The variant allele was found at a frequency of 8e-06 in 251442 control chromosomes (gnomAD). c.1852G>A has been reported in the literature as a biallelic genotype in multiple individuals affected with Limb-Girdle Muscular Dystrophy or Miyoshi Myopathy with confirmed absense of DYSF protein (e.g. Kawabe_2004, Krahn_2009, Nishikawa_2016, Charnay_2021). These data indicate that the variant is very likely to be associated with disease. To our knowledge, no experimental evidence demonstrating an impact on protein function has been reported. The following publications have been ascertained in the context of this evaluation (PMID: 33927379, 15469449, 18853459, 26088049). Four ClinVar submitters have assessed the variant since 2014: one classified the variant as uncertain significance, two as likely pathogenic, and one as pathogenic. Based on the evidence outlined above, the variant was classified as pathogenic.

Broad Center for Mendelian Genomics, Broad Institute of MIT and Harvard
Classification: Uncertain significance for Autosomal recessive limb-girdle muscular dystrophy type 2B. Last evaluated: 2018-12-03. Review status: criteria provided, single submitter. Criteria: ACMG Guidelines, 2015. Collection method: research. Allele origin: germline. Inheritance: Autosomal recessive inheritance. Affected: yes. Not counted in ClinVar's aggregate classification.
Comment: Computational prediction tools and conservation analyses suggest that this variant may impact the protein, though this information is not predictive enough to determine pathogenicity. The p.Gly636Arg variant in DYSF has been reported in 6 individuals with LGMD (PMID: 26404900, 17828519, 18853459, 15469449, 26088049), and has been identified in 0.004484% (1/22300) of Finnish chromosomes and 0.004484% (1/22300) of European (non-Finnish) chromosomes by the Genome Aggregation Database (gnomAD; dbSNP rs201049092). Although this variant has been seen in the general population, its frequency is low enough to be consistent with a recessive carrier frequency. In summary, the clinical significance of the p.Gly636Arg variant is uncertain. ACMG/AMP Criteria applied: PM2, PP3 (Richards 2015).

Eurofins Ntd Llc (ga)
Classification: Uncertain significance. Last evaluated: 2014-11-13. Review status: criteria provided, single submitter. Criteria: EGL Classification Definitions 2015. Collection method: clinical testing. Allele origin: germline. Observed: 1 variant allele, 1 heterozygote. Not counted in ClinVar's aggregate classification.

Counsyl
Classification: Likely pathogenic for Autosomal recessive limb-girdle muscular dystrophy type 2B. Last evaluated: 2018-03-29. Review status: no assertion criteria provided. Collection method: clinical testing. Allele origin: unknown. Not counted in ClinVar's aggregate classification.

Literature cited by the submitters: PubMed 35028538 (cited by ClinGen Limb Girdle Muscular Dystrophy Variant Curation Expert Panel, ClinGen and 3billion); PubMed 15469449 (cited by 5 submitters); PubMed 36983702 (cited by 3billion); PubMed 26088049 (cited by 5 submitters); PubMed 18853459 (cited by 5 submitters); PubMed 32400077 (cited by 3billion); PubMed 12471055 (cited by 3billion); PubMed 37526466 (cited by Natera, Inc.); PubMed 26404900 (cited by 3 submitters); PubMed 33927379 (cited by Women's Health and Genetics/Laboratory Corporation of America, LabCorp); PubMed 17828519 (cited by Broad Center for Mendelian Genomics, Broad Institute of MIT and Harvard and Counsyl).

NM_001130987.2(DYSF):c.1906G>A (p.Gly636Arg)

Gene: DYSF (dysferlin; plus strand). Cytogenetic location: 2p13.2.
Variant type: single nucleotide variant.
Coding change: c.1906G>A on transcript NM_001130987.2 (MANE Select); coding-DNA position 1906, G replaced by A.
Protein change: p.Gly636Arg; replaces glycine 636 with arginine.
Molecular consequence: missense variant.
Genome position (GRCh38, 1-based): chr2:71,553,110, G>A. VCF-style: chr2-71553110-G-A. GRCh37 (hg19) VCF-style: chr2-71780240-G-A.
Other names: NM_001130987.2(DYSF):c.1906G>A; c.1855G>A, p.Gly619Arg (NM_001130455.2, NM_001130983.2); c.1810G>A, p.Gly604Arg (NM_001130976.2, NM_001130977.2); c.1852G>A, p.Gly618Arg (NM_001130978.2, NM_003494.4); c.1945G>A, p.Gly649Arg (NM_001130979.2); c.1903G>A, p.Gly635Arg (NM_001130980.2, NM_001130981.2); c.1948G>A, p.Gly650Arg (NM_001130982.2); c.1813G>A, p.Gly605Arg (NM_001130984.2, NM_001130986.2); and 1 more; short protein forms G618R, G636R, G649R, G619R, G635R, G604R, G605R, G650R.
Identifiers: ClinVar variation 195490 (VCV000195490.22), dbSNP rs201049092, ClinGen allele CA241938.